The following is an entry in ClinVar:

ClinVar aggregate classification (germline): Benign/Likely benign. Review status: criteria provided, multiple submitters, no conflicts (2 of 4 stars). 13 submissions from 12 submitters: Benign (6); Likely benign (3). 4 of the submissions do not count toward it. Last evaluated 2026-03-04.

Conditions:
Colorectal cancer, hereditary nonpolyposis, type 7. Identifiers: Orphanet 144, MedGen C1858380, MONDO:0013725, OMIM 614385.
Endometrial carcinoma. Also called: Endometrial carcinoma, somatic. Identifiers: MedGen C0476089, MONDO:0002447, OMIM 608089, HP:0012114.
Colorectal cancer. Also called: Colorectal cancer, somatic; Malignant Colorectal Neoplasm. Identifiers: MedGen C0346629, MONDO:0005575, OMIM 114500.

Allele frequency attached by ClinVar (database versions not stated): gnomAD exomes 0.00228 and 0.00090; ExAC 0.00298; gnomAD 0.00849 and 0.00905; 1000 Genomes Project 0.00919; TOPMed 0.00934; 1000 Genomes Project 30x 0.01015; ESP Exome Variant Server 0.01030.
gnomAD v4.1: 2,675 of 1,613,958 alleles (0.17%); highest among the groups gnomAD compares: African/African-American, 2.8%; 42 homozygotes.

Submissions (21):

Myriad Genetics, Inc.
Classification: Likely benign for Colorectal cancer, hereditary nonpolyposis, type 7. Last evaluated: 2026-03-04. Review status: criteria provided, single submitter. Criteria: Myriad Autosomal Dominant, Autosomal Recessive and X-Linked Classification Criteria (2023). Collection method: clinical testing. Allele origin: unknown.
Comment: This variant is considered likely benign. This variant has been observed at a population frequency that is significantly greater than expected given the associated disease prevalence and penetrance.

Labcorp Genetics (formerly Invitae), Labcorp
Classification: Benign for Colorectal cancer, hereditary nonpolyposis, type 7. Last evaluated: 2026-01-29. Review status: criteria provided, single submitter. Criteria: Invitae Variant Classification Sherloc (09022015). Collection method: clinical testing. Allele origin: germline.

Center for Genomic Medicine, Rigshospitalet, Copenhagen University Hospital
Classification: Benign. Last evaluated: 2025-03-04. Review status: criteria provided, single submitter. Criteria: ACMG Guidelines, 2015. Collection method: clinical testing. Allele origin: germline.

KCCC/NGS Laboratory, Kuwait Cancer Control Center
Classification: Benign for Endometrial carcinoma. Last evaluated: 2025-02-01. Review status: criteria provided, single submitter. Criteria: ACMG Guidelines, 2015. Collection method: clinical testing. Allele origin: germline. Affected: no.

KCCC/NGS Laboratory, Kuwait Cancer Control Center
Classification: Benign for Colorectal cancer, hereditary nonpolyposis, type 7. Last evaluated: 2023-07-07. Review status: criteria provided, single submitter. Criteria: ACMG Guidelines, 2015. Collection method: clinical testing. Allele origin: germline. Affected: yes.

Department of Pathology and Laboratory Medicine, Sinai Health System
Classification: Benign for Colorectal cancer; Endometrial carcinoma; Colorectal cancer, hereditary nonpolyposis, type 7. Last evaluated: 2021-11-11. Review status: criteria provided, single submitter. Criteria: ACMG Guidelines, 2015. Collection method: clinical testing. Allele origin: germline. Affected: yes.

Ambry Genetics
Classification: Benign. Last evaluated: 2020-07-30. Review status: criteria provided, single submitter. Criteria: Ambry Variant Classification Scheme 2023. Collection method: clinical testing. Allele origin: germline.

Illumina Laboratory Services, Illumina
Classification: Likely benign for Colorectal cancer, hereditary nonpolyposis, type 7. Last evaluated: 2018-01-13. Review status: criteria provided, single submitter. Criteria: ICSL Variant Classification Criteria 13 December 2019. Collection method: clinical testing. Allele origin: germline.
Comment: This variant was observed in the ICSL laboratory as part of a predisposition screen in an ostensibly healthy population. It had not been previously curated by ICSL or reported in the Human Gene Mutation Database (HGMD: prior to June 1st, 2018), and was therefore a candidate for classification through an automated scoring system. Utilizing variant allele frequency, disease prevalence and penetrance estimates, and inheritance mode, an automated score was calculated to assess if this variant is too frequent to cause the disease. Based on the score and internal cut-off values, a variant classified as likely benign is not then subjected to further curation. The score for this variant resulted in a classification of likely benign for this disease.

Breakthrough Genomics
Classification: Likely benign. Review status: criteria provided, single submitter. Criteria: ACMG Guidelines, 2015. Collection method: not provided. Allele origin: germline. Inheritance: Autosomal dominant inheritance. Affected: yes.

Clinical Genetics, Academic Medical Center
Classification: Benign. Review status: no assertion criteria provided. Collection method: clinical testing. Allele origin: germline. Affected: yes. Study: VKGL Data-share Consensus. Not counted in ClinVar's aggregate classification.

Dr. Peter K. Rogan Lab, Western University
No classification provided (evidence only). Condition: Clear cell carcinoma of kidney. Review status: no classification provided. Collection method: in vitro. Allele origin: not applicable. Functional consequence: skipped exon, retained intron. Not counted in ClinVar's aggregate classification.

Dr. Peter K. Rogan Lab, Western University
No classification provided (evidence only). Condition: Colon adenocarcinoma. Review status: no classification provided. Collection method: in vitro. Allele origin: not applicable. Functional consequence: retained intron. Not counted in ClinVar's aggregate classification.

Dr. Peter K. Rogan Lab, Western University
No classification provided (evidence only). Condition: Thyroid cancer, nonmedullary, 1. Review status: no classification provided. Collection method: in vitro. Allele origin: not applicable. Functional consequence: retained intron. Not counted in ClinVar's aggregate classification.

Dr. Peter K. Rogan Lab, Western University
No classification provided (evidence only). Condition: Uterine corpus endometrial carcinoma. Review status: no classification provided. Collection method: in vitro. Allele origin: not applicable. Functional consequence: retained intron. Not counted in ClinVar's aggregate classification.

Dr. Peter K. Rogan Lab, Western University
No classification provided (evidence only). Condition: Uterine corpus endometrial carcinoma. Review status: no classification provided. Collection method: in vitro. Allele origin: not applicable. Functional consequence: retained intron. Not counted in ClinVar's aggregate classification.

Dr. Peter K. Rogan Lab, Western University
No classification provided (evidence only). Condition: Sarcoma. Review status: no classification provided. Collection method: in vitro. Allele origin: not applicable. Functional consequence: retained intron. Not counted in ClinVar's aggregate classification.

Dr. Peter K. Rogan Lab, Western University
No classification provided (evidence only). Condition: Gastric cancer. Review status: no classification provided. Collection method: in vitro. Allele origin: not applicable. Functional consequence: retained intron. Not counted in ClinVar's aggregate classification.

Dr. Peter K. Rogan Lab, Western University
No classification provided (evidence only). Condition: Gastric cancer. Review status: no classification provided. Collection method: in vitro. Allele origin: not applicable. Functional consequence: retained intron. Not counted in ClinVar's aggregate classification.

Genome Diagnostics Laboratory, Amsterdam University Medical Center
Classification: Benign. Review status: no assertion criteria provided. Collection method: clinical testing. Allele origin: germline. Affected: yes. Study: VKGL Data-share Consensus. Not counted in ClinVar's aggregate classification.

Laboratory of Diagnostic Genome Analysis, Leiden University Medical Center (LUMC)
Classification: Likely benign. Review status: no assertion criteria provided. Collection method: clinical testing. Allele origin: germline. Affected: yes. Study: VKGL Data-share Consensus. Not counted in ClinVar's aggregate classification.

Mayo Clinic Laboratories, Mayo Clinic
Classification: Benign. Review status: no assertion criteria provided. Collection method: clinical testing. Allele origin: unknown. Not counted in ClinVar's aggregate classification.

NM_001040108.2(MLH3):c.8A>G (p.Lys3Arg)

Gene: MLH3 (mutL homolog 3; minus strand). Cytogenetic location: 14q24.3.
Variant type: single nucleotide variant.
Coding change: c.8A>G on transcript NM_001040108.2 (MANE Select); coding-DNA position 8, A replaced by G.
Protein change: p.Lys3Arg; replaces lysine 3 with arginine.
Molecular consequence: missense variant.
Genome position (GRCh38, 1-based): chr14:75,049,648, T>C on the plus strand (A>G on the coding strand, the complement: MLH3 is on the minus strand). VCF-style: chr14-75049648-T-C. GRCh37 (hg19) VCF-style: chr14-75516351-T-C.
Other names: c.8A>G, p.Lys3Arg (NM_014381.3); short protein forms K3R.
Identifiers: ClinVar variation 238254 (VCV000238254.38), dbSNP rs114829239, ClinGen allele CA7276101.